The following is an entry in ClinVar:

ClinVar aggregate classification (germline): Uncertain significance (1 of 4 stars; one submission).

Allele frequency attached by ClinVar (database versions not stated): 1000 Genomes Project 30x 0.00016; 1000 Genomes Project 0.00020.
gnomAD v4.1: 25 of 1,614,146 alleles (0.0015%); highest among the groups gnomAD compares: East Asian, 0.033%; no homozygotes.

Submission:

Labcorp Genetics (formerly Invitae), Labcorp
Classification: Uncertain significance. Last evaluated: 2022-12-07. Review status: criteria provided, single submitter. Criteria: Invitae Variant Classification Sherloc (09022015). Collection method: clinical testing. Allele origin: germline.
Comment: In summary, the available evidence is currently insufficient to determine the role of this variant in disease. Therefore, it has been classified as a Variant of Uncertain Significance. Algorithms developed to predict the effect of missense changes on protein structure and function output the following: SIFT: "Not Available"; PolyPhen-2: "Benign"; Align-GVGD: "Not Available". The glutamine amino acid residue is found in multiple mammalian species, which suggests that this missense change does not adversely affect protein function. This variant has not been reported in the literature in individuals affected with IREB2-related conditions. This variant is present in population databases (rs528213818, gnomAD 0.06%). This sequence change replaces arginine, which is basic and polar, with glutamine, which is neutral and polar, at codon 185 of the IREB2 protein (p.Arg185Gln).

NM_004136.4(IREB2):c.554G>A (p.Arg185Gln)

Gene: IREB2 (iron responsive element binding protein 2; plus strand). Cytogenetic location: 15q25.1.
Variant type: single nucleotide variant.
Coding change: c.554G>A on transcript NM_004136.4 (MANE Select); coding-DNA position 554, G replaced by A.
Protein change: p.Arg185Gln; replaces arginine 185 with glutamine.
Molecular consequence: missense variant. On other transcripts: 5 prime UTR variant (1).
Genome position (GRCh38, 1-based): chr15:78,466,414, G>A. VCF-style: chr15-78466414-G-A. GRCh37 (hg19) VCF-style: chr15-78758756-G-A.
Other names: c.-127G>A (NM_001320941.2); c.383G>A, p.Arg128Gln (NM_001320942.2, NM_001354994.2); c.554G>A, p.Arg185Gln (NM_001320943.2); short protein forms R128Q, R185Q.
Identifiers: ClinVar variation 2968513 (VCV002968513.2), dbSNP rs528213818, ClinGen allele CA7682731.